The following is an entry in ClinVar:

ClinVar aggregate classification (germline): Pathogenic/Likely pathogenic. Review status: criteria provided, multiple submitters, no conflicts (2 of 4 stars). 2 submissions from 2 submitters: Pathogenic (1); Likely pathogenic (1). Last evaluated 2025-03-11.

Conditions:
Neurofibromatosis, type 1 (NF1). Also called: VON RECKLINGHAUSEN DISEASE; NEUROFIBROMATOSIS, TYPE I, SOMATIC; Peripheral type neurofibromatosis; Neurofibromatosis, type I. Identifiers: Orphanet 636, MedGen C0027831, MONDO:0018975, OMIM 162200. Disease mechanism: loss of function.

Submissions (2):

Labcorp Genetics (formerly Invitae), Labcorp
Classification: Pathogenic for Neurofibromatosis, type 1. Last evaluated: 2025-03-11. Review status: criteria provided, single submitter. Criteria: Invitae Variant Classification Sherloc (09022015). Collection method: clinical testing. Allele origin: germline.
Comment: This sequence change replaces phenylalanine, which is neutral and non-polar, with leucine, which is neutral and non-polar, at codon 1863 of the NF1 protein (p.Phe1863Leu). This variant is not present in population databases (gnomAD no frequency). This missense change has been observed in individual(s) with neurofibromatosis, type 1 (PMID: 22190595, 27838393; internal data). In at least one individual the variant was observed to be de novo. ClinVar contains an entry for this variant (Variation ID: 561720). Invitae Evidence Modeling of protein sequence and biophysical properties (such as structural, functional, and spatial information, amino acid conservation, physicochemical variation, residue mobility, and thermodynamic stability) indicates that this missense variant is expected to disrupt NF1 protein function with a positive predictive value of 95%. For these reasons, this variant has been classified as Pathogenic.

GeneDx
Classification: Likely pathogenic. Last evaluated: 2021-12-14. Review status: criteria provided, single submitter. Criteria: GeneDx Variant Classification Process June 2021. Collection method: clinical testing. Allele origin: germline. Affected: yes.
Comment: In silico analysis supports that this missense variant has a deleterious effect on protein structure/function; Not observed at significant frequency in large population cohorts (Lek et al., 2016); Has not been previously published as pathogenic or benign to our knowledge

Literature cited by the submitters: PubMed 22190595 (cited by Labcorp Genetics (formerly Invitae), Labcorp); PubMed 27838393 (cited by Labcorp Genetics (formerly Invitae), Labcorp).

NM_001042492.3(NF1):c.5652T>A (p.Phe1884Leu)

Gene: NF1 (neurofibromin 1; plus strand). Cytogenetic location: 17q11.2.
Variant type: single nucleotide variant.
Coding change: c.5652T>A on transcript NM_001042492.3 (MANE Select); coding-DNA position 5652, T replaced by A.
Protein change: p.Phe1884Leu; replaces phenylalanine 1884 with leucine.
Molecular consequence: missense variant.
Genome position (GRCh38, 1-based): chr17:31,330,338, T>A. VCF-style: chr17-31330338-T-A. GRCh37 (hg19) VCF-style: chr17-29657356-T-A.
Other names: c.5589T>A, p.Phe1863Leu (NM_000267.4); short protein forms F1863L, F1884L.
Identifiers: ClinVar variation 561720 (VCV000561720.4), dbSNP rs1567613616, ClinGen allele CA399010177.